The following is an entry in ClinVar:

ClinVar aggregate classification (germline): Uncertain significance (1 of 4 stars; one submission).

Conditions:
Muscular dystrophy-dystroglycanopathy (congenital with impaired intellectual development), type B, 2. Also called: Muscular dystrophy-dystroglycanopathy (congenital with intellectual disability), type B2; MUSCULAR DYSTROPHY, CONGENITAL, POMT2-RELATED. Identifiers: MedGen C3150416, MONDO:0013160, OMIM 613156.
Autosomal recessive limb-girdle muscular dystrophy type 2N. Also called: Muscular dystrophy-dystroglycanopathy (limb-girdle), type C, 2; MUSCULAR DYSTROPHY-DYSTROGLYCANOPATHY, LIMB-GIRDLE, POMT2-RELATED. Identifiers: Orphanet 206559, MedGen C3150418, MONDO:0013162, OMIM 613158.
Muscular dystrophy-dystroglycanopathy (congenital with brain and eye anomalies), type A2. Also called: MUSCULAR DYSTROPHY-DYSTROGLYCANOPATHY (CONGENITAL WITH BRAIN AND EYE ANOMALIES), TYPE A, 2; WALKER-WARBURG SYNDROME OR MUSCLE-EYE-BRAIN DISEASE, POMT2-RELATED. Identifiers: Orphanet 588, Orphanet 899, MedGen C3150411, MONDO:0013154, OMIM 613150.

gnomAD v4.1: 1 of 1,606,092 alleles (0.000062%); highest among the groups gnomAD compares: Non-Finnish European, 0.000085%; no homozygotes.

Submission:

Labcorp Genetics (formerly Invitae), Labcorp
Classification: Uncertain significance for Muscular dystrophy-dystroglycanopathy (congenital with impaired intellectual development), type B, 2; Muscular dystrophy-dystroglycanopathy (congenital with brain and eye anomalies), type A2; Autosomal recessive limb-girdle muscular dystrophy type 2N. Last evaluated: 2022-09-01. Review status: criteria provided, single submitter. Criteria: Invitae Variant Classification Sherloc (09022015). Collection method: clinical testing. Allele origin: germline.
Comment: This sequence change replaces threonine, which is neutral and polar, with proline, which is neutral and non-polar, at codon 344 of the POMT2 protein (p.Thr344Pro). This variant is not present in population databases (gnomAD no frequency). This missense change has been observed in individual(s) with limb-girdle muscular dystrophy and/or POMT2-related conditions (PMID: 29175898, 32528171). ClinVar contains an entry for this variant (Variation ID: 538736). Algorithms developed to predict the effect of missense changes on protein structure and function (SIFT, PolyPhen-2, Align-GVGD) all suggest that this variant is likely to be disruptive. This variant disrupts the p.Thr344 amino acid residue in POMT2. Other variant(s) that disrupt this residue have been observed in individuals with POMT2-related conditions (PMID: 29175898), which suggests that this may be a clinically significant amino acid residue. In summary, the available evidence is currently insufficient to determine the role of this variant in disease. Therefore, it has been classified as a Variant of Uncertain Significance.

Literature cited by the submitters: PubMed 29175898; PubMed 32528171.

NM_013382.7(POMT2):c.1030A>C (p.Thr344Pro)

Gene: POMT2 (protein O-mannosyltransferase 2; minus strand). Cytogenetic location: 14q24.3.
Variant type: single nucleotide variant.
Coding change: c.1030A>C on transcript NM_013382.7 (MANE Select); coding-DNA position 1030, A replaced by C.
Protein change: p.Thr344Pro; replaces threonine 344 with proline.
Molecular consequence: missense variant.
Genome position (GRCh38, 1-based): chr14:77,296,250, T>G on the plus strand (A>C on the coding strand, the complement: POMT2 is on the minus strand). VCF-style: chr14-77296250-T-G. GRCh37 (hg19) VCF-style: chr14-77762593-T-G.
Other names: short protein forms T344P.
Identifiers: ClinVar variation 538736 (VCV000538736.11), dbSNP rs1285454398, ClinGen allele CA390519600.